The following is an entry in ClinVar:

NM_001099922.3(ALG13):c.355G>C (p.Glu119Gln)

Gene: ALG13 (ALG13 UDP-N-acetylglucosaminyltransferase subunit; plus strand). Cytogenetic location: Xq23.
Variant type: single nucleotide variant.
Coding change: c.355G>C on transcript NM_001099922.3 (MANE Select); coding-DNA position 355, G replaced by C.
Protein change: p.Glu119Gln; replaces glutamic acid 119 with glutamine.
Molecular consequence: missense variant. On other transcripts: non-coding transcript variant (3).
Genome position (GRCh38, 1-based): chrX:111,685,075, G>C. VCF-style: chrX-111685075-G-C. GRCh37 (hg19) VCF-style: chrX-110928303-G-C.
Other names: c.296G>C, p.Arg99Thr (NM_001039210.5); c.355G>C, p.Glu119Gln (NM_001168385.3, NM_001324292.2, NM_018466.6); c.43G>C, p.Glu15Gln (NM_001257230.2, NM_001257234.2, NM_001257235.3 and 6 more transcripts); c.121G>C, p.Glu41Gln (NM_001257231.2, NM_001257241.3); c.361G>C, p.Glu121Gln (NM_001324290.2); short protein forms E119Q, E41Q, E121Q, E15Q, R99T.
Identifiers: ClinVar variation 385206 (VCV000385206.3), dbSNP rs887878543, ClinGen allele CA16608679.
Genomic context (GRCh38, chrX:111,685,075, plus strand): 5'-GTTATAAACGAAAAGTTGATGAACAATCATCAGCTGGAACTGGCAAAGCAGCTACACAAA[G>C]AGGGTCATCTCTTCTATTGTACCTGCAGGTATGCTAGAGACTGATTATTATTATCTCTTG-3'
Protein context (NP_001093392.1, residues 109-129): QLELAKQLHK[Glu119Gln]GHLFYCTCRV

ClinVar aggregate classification (germline): Uncertain significance. Review status: criteria provided, multiple submitters, no conflicts (2 of 4 stars). 2 submissions from 2 submitters: Uncertain significance (2). Last evaluated 2026-01-02.

Conditions:
Developmental and epileptic encephalopathy, 36 (DEE36). Also called: Epileptic encephalopathy, early infantile, 36; ALG13-CDG; Congenital disorder of glycosylation, type Is. Identifiers: Orphanet 324422, MedGen C4317295, MONDO:0010472, OMIM 300884.

Allele frequency attached by ClinVar (database versions not stated): gnomAD exomes 0.00002.
gnomAD v4.1: 11 of 1,210,588 alleles (0.00091%); highest among the groups gnomAD compares: Non-Finnish European, 0.0011%; no homozygotes.

Submissions (2):

Labcorp Genetics (formerly Invitae), Labcorp
Classification: Uncertain significance for Developmental and epileptic encephalopathy, 36. Last evaluated: 2026-01-02. Review status: criteria provided, single submitter. Criteria: Invitae Variant Classification Sherloc (09022015). Collection method: clinical testing. Allele origin: germline.
Comment: This sequence change replaces glutamic acid, which is acidic and polar, with glutamine, which is neutral and polar, at codon 119 of the ALG13 protein (p.Glu119Gln). This variant is not present in population databases (gnomAD no frequency). This variant has not been reported in the literature in individuals affected with ALG13-related conditions. ClinVar contains an entry for this variant (Variation ID: 385206). Invitae Evidence Modeling of protein sequence and biophysical properties (such as structural, functional, and spatial information, amino acid conservation, physicochemical variation, residue mobility, and thermodynamic stability) indicates that this missense variant is not expected to disrupt ALG13 protein function with a negative predictive value of 95%. In summary, the available evidence is currently insufficient to determine the role of this variant in disease. Therefore, it has been classified as a Variant of Uncertain Significance.

GeneDx
Classification: Uncertain significance. Last evaluated: 2016-04-07. Review status: criteria provided, single submitter. Criteria: GeneDx Variant Classification (06012015). Collection method: clinical testing. Allele origin: germline. Affected: yes.
Comment: A variant of uncertain significance has been identified in the ALG13 gene. The E119Q variant has not been published as a pathogenic variant, nor has it been reported as a benign variant to our knowledge. It was not observed in approximately 6,500 individuals of European and African American ancestry in the NHLBI Exome Sequencing Project, indicating it is not a common benign variant in these populations. The E119Q variant is a semi-conservative amino acid substitution, which may impact secondary protein structure as these residues differ in some properties. This substitution occurs at a position where amino acids with similar properties to Glutamic acid are tolerated across species. However, in silico analysis is inconsistent in its predictions as to whether or not the variant is damaging to the protein structure/function. Therefore, based on the currently available information, it is unclear whether this variant is a pathogenic variant or a rare benign variant.